The following is an entry in ClinVar:

ClinVar aggregate classification (germline): Uncertain significance (1 of 4 stars; one submission).

Conditions:
Inborn genetic diseases. Identifiers: MedGen C0950123, MeSH D030342.

gnomAD v4.1: 2 of 1,614,142 alleles (0.00012%); highest among the groups gnomAD compares: Non-Finnish European, 0.000085%; no homozygotes.

Submission:

Ambry Genetics
Classification: Uncertain significance for Inborn genetic diseases. Last evaluated: 2017-03-31. Review status: criteria provided, single submitter. Criteria: Ambry Variant Classification Scheme 2023. Collection method: clinical testing. Allele origin: germline.
Comment: The p.D54H variant (also known as c.160G>C), located in coding exon 2 of the GATM gene, results from a G to C substitution at nucleotide position 160. The aspartic acid at codon 54 is replaced by histidine, an amino acid with similar properties. This amino acid position is well conserved in available vertebrate species. In addition, this alteration is predicted to be tolerated by in silico analysis. Since supporting evidence is limited at this time, the clinical significance of this alteration remains unclear.

NM_001482.3(GATM):c.160G>C (p.Asp54His)

Gene: GATM (glycine amidinotransferase; minus strand). Cytogenetic location: 15q21.1.
Variant type: single nucleotide variant.
Coding change: c.160G>C on transcript NM_001482.3 (MANE Select); coding-DNA position 160, G replaced by C.
Protein change: p.Asp54His; replaces aspartic acid 54 with histidine.
Molecular consequence: missense variant. On other transcripts: 5 prime UTR variant (1).
Genome position (GRCh38, 1-based): chr15:45,376,729, C>G on the plus strand (G>C on the coding strand, the complement: GATM is on the minus strand). VCF-style: chr15-45376729-C-G. GRCh37 (hg19) VCF-style: chr15-45668927-C-G.
Other names: c.-228G>C (NM_001321015.2); short protein forms D54H.
Identifiers: ClinVar variation 588919 (VCV000588919.5), dbSNP rs780777061, ClinGen allele CA392265522.